The following is an entry in ClinVar:

NM_006846.4(SPINK5):c.803G>A (p.Arg268His)

Gene: SPINK5 (serine peptidase inhibitor Kazal type 5; plus strand). Cytogenetic location: 5q32.
Variant type: single nucleotide variant.
Coding change: c.803G>A on transcript NM_006846.4 (MANE Select); coding-DNA position 803, G replaced by A.
Protein change: p.Arg268His; replaces arginine 268 with histidine.
Molecular consequence: missense variant.
Genome position (GRCh38, 1-based): chr5:148,095,826, G>A. VCF-style: chr5-148095826-G-A. GRCh37 (hg19) VCF-style: chr5-147475389-G-A.
Other names: c.803G>A, p.Arg268His (NM_001127698.2, NM_001127699.2); short protein forms R268H.
Identifiers: ClinVar variation 389608 (VCV000389608.6), dbSNP rs375727921, ClinGen allele CA3495373.

ClinVar aggregate classification (germline): Conflicting classifications of pathogenicity. Review status: criteria provided, conflicting classifications (1 of 4 stars). 2 submissions from 2 submitters: Uncertain significance (1); Likely benign (1). Last evaluated 2022-09-13.

Conditions:
Netherton syndrome (NETH). Also called: ERYTHRODERMA, ICHTHYOSIFORM, WITH HYPOTRICHOSIS AND HYPER-IgE; COMEL-NETHERTON SYNDROME; NETHERTON DISEASE. Identifiers: Orphanet 634, MedGen C5574950, MONDO:0009735, OMIM 256500.

Allele frequency attached by ClinVar (database versions not stated): gnomAD exomes 0.00003 and 0.00004; ExAC 0.00004; ESP Exome Variant Server 0.00017; gnomAD 0.00033 and 0.00035; TOPMed 0.00038.
gnomAD v4.1: 96 of 1,611,770 alleles (0.006%); highest among the groups gnomAD compares: African/African-American, 0.091%; no homozygotes.

Submissions (2):

Labcorp Genetics (formerly Invitae), Labcorp
Classification: Uncertain significance for Ichthyosis linearis circumflexa. Last evaluated: 2022-09-13. Review status: criteria provided, single submitter. Criteria: Invitae Variant Classification Sherloc (09022015). Collection method: clinical testing. Allele origin: germline.
Comment: This sequence change replaces arginine, which is basic and polar, with histidine, which is basic and polar, at codon 268 of the SPINK5 protein (p.Arg268His). This variant is present in population databases (rs375727921, gnomAD 0.07%). This variant has not been reported in the literature in individuals affected with SPINK5-related conditions. ClinVar contains an entry for this variant (Variation ID: 389608). Advanced modeling of protein sequence and biophysical properties (such as structural, functional, and spatial information, amino acid conservation, physicochemical variation, residue mobility, and thermodynamic stability) performed at Invitae indicates that this missense variant is not expected to disrupt SPINK5 protein function. In summary, the available evidence is currently insufficient to determine the role of this variant in disease. Therefore, it has been classified as a Variant of Uncertain Significance.

GeneDx
Classification: Likely benign. Last evaluated: 2016-09-26. Review status: criteria provided, single submitter. Criteria: GeneDx Variant Classification (06012015). Collection method: clinical testing. Allele origin: germline. Affected: yes.
Comment: This variant is considered likely benign or benign based on one or more of the following criteria: it is a conservative change, it occurs at a poorly conserved position in the protein, it is predicted to be benign by multiple in silico algorithms, and/or has population frequency not consistent with disease.